The following is an entry in ClinVar:

NM_000285.4(PEPD):c.*53C>T

Gene: PEPD (peptidase D; minus strand). Cytogenetic location: 19q13.11.
Variant type: single nucleotide variant.
Coding change: c.*53C>T on transcript NM_000285.4 (MANE Select); 53 bases downstream of the stop codon, C replaced by T.
Molecular consequence: 3 prime UTR variant.
Genome position (GRCh38, 1-based): chr19:33,387,291, G>A on the plus strand (C>T on the coding strand, the complement: PEPD is on the minus strand). VCF-style: chr19-33387291-G-A. GRCh37 (hg19) VCF-style: chr19-33878197-G-A.
Other names: c.*53C>T (NM_001166056.2, NM_001166057.2).
Identifiers: ClinVar variation 328780 (VCV000328780.5), dbSNP rs77690463, ClinGen allele CA10648515.

ClinVar aggregate classification (germline): Benign (1 of 4 stars; one submission).

Conditions:
Prolidase deficiency. Identifiers: Orphanet 742, MedGen C0268532, MONDO:0008221, OMIM 170100.

Allele frequency attached by ClinVar (database versions not stated): gnomAD 0.00265 and 0.00374; TOPMed 0.00306; gnomAD exomes 0.00340; 1000 Genomes Project 30x 0.01640; 1000 Genomes Project 0.01737.
gnomAD v4.1: 5,503 of 1,608,558 alleles (0.34%); highest among the groups gnomAD compares: East Asian, 9.2%; 200 homozygotes.

Submission:

Illumina Laboratory Services, Illumina
Classification: Benign for Prolidase deficiency. Last evaluated: 2018-01-13. Review status: criteria provided, single submitter. Criteria: ICSL Variant Classification Criteria 13 December 2019. Collection method: clinical testing. Allele origin: germline.
Comment: This variant was observed in the ICSL laboratory as part of a predisposition screen in an ostensibly healthy population. It had not been previously curated by ICSL or reported in the Human Gene Mutation Database (HGMD: prior to June 1st, 2018), and was therefore a candidate for classification through an automated scoring system. Utilizing variant allele frequency, disease prevalence and penetrance estimates, and inheritance mode, an automated score was calculated to assess if this variant is too frequent to cause the disease. Based on the score and internal cut-off values, a variant classified as benign is not then subjected to further curation. The score for this variant resulted in a classification of benign for this disease.